The following is an entry in ClinVar:

NM_001330700.2(TOP2B):c.2150A>G (p.Asn717Ser)

Gene: TOP2B (DNA topoisomerase II beta; minus strand). Cytogenetic location: 3p24.2.
Variant type: single nucleotide variant.
Coding change: c.2150A>G on transcript NM_001330700.2 (MANE Select); coding-DNA position 2150, A replaced by G.
Protein change: p.Asn717Ser; replaces asparagine 717 with serine.
Molecular consequence: missense variant.
Genome position (GRCh38, 1-based): chr3:25,626,634, T>C on the plus strand (A>G on the coding strand, the complement: TOP2B is on the minus strand). VCF-style: chr3-25626634-T-C. GRCh37 (hg19) VCF-style: chr3-25668125-T-C.
Other names: c.2135A>G, p.Asn712Ser (NM_001068.3); short protein forms N712S, N717S.
Identifiers: ClinVar variation 3656258 (VCV003656258.2).

ClinVar aggregate classification (germline): Uncertain significance (1 of 4 stars; one submission).

gnomAD v4.1: 1 of 1,539,788 alleles (0.000065%); highest among the groups gnomAD compares: African/African-American, 0.0014%; no homozygotes.

Submission:

Labcorp Genetics (formerly Invitae), Labcorp
Classification: Uncertain significance. Last evaluated: 2024-06-11. Review status: criteria provided, single submitter. Criteria: Invitae Variant Classification Sherloc (09022015). Collection method: clinical testing. Allele origin: germline.
Comment: This sequence change replaces asparagine, which is neutral and polar, with serine, which is neutral and polar, at codon 712 of the TOP2B protein (p.Asn712Ser). This variant is not present in population databases (gnomAD no frequency). This variant has not been reported in the literature in individuals affected with TOP2B-related conditions. An algorithm developed to predict the effect of missense changes on protein structure and function (PolyPhen-2) suggests that this variant is likely to be tolerated. In summary, the available evidence is currently insufficient to determine the role of this variant in disease. Therefore, it has been classified as a Variant of Uncertain Significance.